The following is an entry in ClinVar:

ClinVar aggregate classification (germline): Uncertain significance (1 of 4 stars; one submission).

Conditions:
Cardiovascular phenotype. Identifiers: MedGen CN230736.

gnomAD v4.1: 22 of 1,612,698 alleles (0.0014%); highest among the groups gnomAD compares: Non-Finnish European, 0.0019%; no homozygotes.

Submission:

Ambry Genetics
Classification: Uncertain significance for Cardiovascular phenotype. Last evaluated: 2023-11-08. Review status: criteria provided, single submitter. Criteria: Ambry Variant Classification Scheme 2023. Collection method: clinical testing. Allele origin: germline.
Comment: The p.S430R variant (also known as c.1290C>A), located in coding exon 9 of the LMF1 gene, results from a C to A substitution at nucleotide position 1290. The serine at codon 430 is replaced by arginine, an amino acid with dissimilar properties. This amino acid position is conserved. In addition, this alteration is predicted to be tolerated by in silico analysis. Since supporting evidence is limited at this time, the clinical significance of this alteration remains unclear.

NM_022773.4(LMF1):c.1290C>A (p.Ser430Arg)

Gene: LMF1 (lipase maturation factor 1; minus strand). Cytogenetic location: 16p13.3.
Variant type: single nucleotide variant.
Coding change: c.1290C>A on transcript NM_022773.4 (MANE Select); coding-DNA position 1290, C replaced by A.
Protein change: p.Ser430Arg; replaces serine 430 with arginine.
Molecular consequence: missense variant. On other transcripts: non-coding transcript variant (1).
Genome position (GRCh38, 1-based): chr16:870,009, G>T on the plus strand (C>A on the coding strand, the complement: LMF1 is on the minus strand). VCF-style: chr16-870009-G-T. GRCh37 (hg19) VCF-style: chr16-920009-G-T.
Other names: c.639C>A, p.Ser213Arg (NM_001352017.2, NM_001352021.2); c.891C>A, p.Ser297Arg (NM_001352018.2); c.963C>A, p.Ser321Arg (NM_001352019.2); c.1290C>A, p.Ser430Arg (NM_001352020.1); short protein forms S430R, S321R, S213R, S297R.
Identifiers: ClinVar variation 2483646 (VCV002483646.2), dbSNP rs148734358, ClinGen allele CA394124363.